The following is an entry in ClinVar:

NM_015559.3(SETBP1):c.3311C>T (p.Ser1104Phe)

Gene: SETBP1 (SET binding protein 1; plus strand). Cytogenetic location: 18q12.3.
Variant type: single nucleotide variant.
Coding change: c.3311C>T on transcript NM_015559.3 (MANE Select); coding-DNA position 3311, C replaced by T.
Protein change: p.Ser1104Phe; replaces serine 1104 with phenylalanine.
Molecular consequence: missense variant.
Genome position (GRCh38, 1-based): chr18:44,952,651, C>T. VCF-style: chr18-44952651-C-T. GRCh37 (hg19) VCF-style: chr18-42532616-C-T.
Other names: c.3311C>T, p.Ser1104Phe (NM_001379141.1, NM_001379142.1, NM_001410862.1); short protein forms S1104F.
Identifiers: ClinVar variation 3371905 (VCV003371905.1).

ClinVar aggregate classification (germline): Uncertain significance (1 of 4 stars; one submission).

gnomAD v4.1: 1 of 1,614,060 alleles (0.000062%); highest among the groups gnomAD compares: East Asian, 0.0022%; no homozygotes.

Submission:

GeneDx
Classification: Uncertain significance. Last evaluated: 2024-04-01. Review status: criteria provided, single submitter. Criteria: GeneDx Variant Classification Process June 2021. Collection method: clinical testing. Allele origin: germline. Affected: yes.
Comment: Not observed at significant frequency in large population cohorts (gnomAD); In silico analysis supports that this missense variant has a deleterious effect on protein structure/function; Has not been previously published as pathogenic or benign to our knowledge